The following is an entry in ClinVar:

ClinVar aggregate classification (germline): Benign. Review status: criteria provided, multiple submitters, no conflicts (2 of 4 stars). 3 submissions from 3 submitters: Benign (3). Last evaluated 2026-01-26.

Conditions:
Hypoplastic enamel-onycholysis-hypohidrosis syndrome (TNS). Also called: ECTODERMAL DYSPLASIA 3, TOOTH/NAIL TYPE; NAIL DYSPLASIA WITH HYPODONTIA; ECTODERMAL DYSPLASIA 3, WITKOP TYPE; WITKOP SYNDROME; Tooth-and-Nail Syndrome. Identifiers: Orphanet 2228, MedGen C0406735, MONDO:0008582, OMIM 189500.

Allele frequency attached by ClinVar (database versions not stated): gnomAD exomes 0.32946; gnomAD 0.36320 and 0.36437; TOPMed 0.37315; 1000 Genomes Project 30x 0.42192; 1000 Genomes Project 0.42332.
gnomAD v4.1: 155,881 of 457,632 alleles (34%); highest among the groups gnomAD compares: East Asian, 60%; 28,816 homozygotes.

Submissions (3):

Labcorp Genetics (formerly Invitae), Labcorp
Classification: Benign for Hypoplastic enamel-onycholysis-hypohidrosis syndrome. Last evaluated: 2026-01-26. Review status: criteria provided, single submitter. Criteria: Invitae Variant Classification Sherloc (09022015). Collection method: clinical testing. Allele origin: germline.

GeneDx
Classification: Benign. Last evaluated: 2021-06-19. Review status: criteria provided, single submitter. Criteria: GeneDx Variant Classification Process June 2021. Collection method: clinical testing. Allele origin: germline. Affected: yes.
Comment: This variant is associated with the following publications: (PMID: 23549991, 23231047, 24603642)

Breakthrough Genomics
Classification: Benign. Review status: criteria provided, single submitter. Criteria: ACMG Guidelines, 2015. Collection method: not provided. Allele origin: germline. Inheritance: Autosomal dominant inheritance. Affected: yes.

NM_002448.3(MSX1):c.*276A>G

Gene: MSX1 (msh homeobox 1; plus strand). Cytogenetic location: 4p16.2.
Variant type: single nucleotide variant.
Coding change: c.*276A>G on transcript NM_002448.3 (MANE Select); 276 bases downstream of the stop codon, A replaced by G.
Molecular consequence: 3 prime UTR variant.
Genome position (GRCh38, 1-based): chr4:4,863,419, A>G. VCF-style: chr4-4863419-A-G. GRCh37 (hg19) VCF-style: chr4-4865146-A-G.
Identifiers: ClinVar variation 530788 (VCV000530788.14), dbSNP rs12532, ClinGen allele CA11677033.